The following is an entry in ClinVar:

NM_006939.4(SOS2):c.3881C>A (p.Pro1294Gln)

Gene: SOS2 (SOS Ras/Rho guanine nucleotide exchange factor 2; minus strand). Cytogenetic location: 14q21.3.
Variant type: single nucleotide variant.
Coding change: c.3881C>A on transcript NM_006939.4 (MANE Select); coding-DNA position 3881, C replaced by A.
Protein change: p.Pro1294Gln; replaces proline 1294 with glutamine.
Molecular consequence: missense variant.
Genome position (GRCh38, 1-based): chr14:50,118,462, G>T on the plus strand (C>A on the coding strand, the complement: SOS2 is on the minus strand). VCF-style: chr14-50118462-G-T. GRCh37 (hg19) VCF-style: chr14-50585180-G-T.
Other names: c.3782C>A, p.Pro1261Gln (NM_001411020.1); short protein forms P1294Q, P1261Q.
Identifiers: ClinVar variation 4709545 (VCV004709545.1).

ClinVar aggregate classification (germline): Uncertain significance (1 of 4 stars; one submission).

Conditions:
Noonan syndrome 9 (NS9). Identifiers: Orphanet 648, MedGen C4225282, MONDO:0014691, OMIM 616559.

Submission:

Labcorp Genetics (formerly Invitae), Labcorp
Classification: Uncertain significance for Noonan syndrome 9. Last evaluated: 2026-01-11. Review status: criteria provided, single submitter. Criteria: Invitae Variant Classification Sherloc (09022015). Collection method: clinical testing. Allele origin: germline.
Comment: This sequence change replaces proline, which is neutral and non-polar, with glutamine, which is neutral and polar, at codon 1294 of the SOS2 protein (p.Pro1294Gln). This variant is not present in population databases (gnomAD no frequency). This variant has not been reported in the literature in individuals affected with SOS2-related conditions. Invitae Evidence Modeling of protein sequence and biophysical properties (such as structural, functional, and spatial information, amino acid conservation, physicochemical variation, residue mobility, and thermodynamic stability) indicates that this missense variant is not expected to disrupt SOS2 protein function with a negative predictive value of 95%. In summary, the available evidence is currently insufficient to determine the role of this variant in disease. Therefore, it has been classified as a Variant of Uncertain Significance.